The following is an entry in ClinVar:

NM_004656.4(BAP1):c.1813del (p.Glu605fs)

Gene: BAP1 (BRCA1 associated deubiquitinase 1; minus strand). Cytogenetic location: 3p21.1.
Variant type: Deletion.
Coding change: c.1813del on transcript NM_004656.4 (MANE Select); coding-DNA position 1813, one base deleted (G; older notation c.1813delG).
Protein change: p.Glu605fs; shifts the reading frame from glutamic acid 605.
Molecular consequence: frameshift variant.
Genome position (GRCh38, 1-based): chr3:52,403,215, C deleted on the plus strand (G on the coding strand, the reverse complement: BAP1 is on the minus strand); the first of 2 consecutive C bases (chr3:52,403,215-52,403,216); deleting either gives the same sequence. VCF-style (leftmost placement, unchanged base first): chr3-52403214-TC-T. GRCh37 (hg19) VCF-style: chr3-52437230-TC-T.
Other names: c.1759del, p.Glu587fs (NM_001410772.1); short protein forms E587fs, E605fs.
Identifiers: ClinVar variation 2674024 (VCV002674024.3), dbSNP rs2471325088, ClinGen allele CA2695197912.

ClinVar aggregate classification (germline): Pathogenic. Review status: criteria provided, multiple submitters, no conflicts (2 of 4 stars). 2 submissions from 2 submitters: Pathogenic (2). Last evaluated 2024-08-04.

Conditions:
BAP1-related tumor predisposition syndrome (TPDS1). Also called: BAP1 tumor predisposition syndrome; TUMOR PREDISPOSITION SYNDROME 1; Tumor susceptibility linked to germline BAP1 mutations; COMMON Syndrome. Identifiers: Orphanet 289539, MedGen C3280492, MONDO:0013692, OMIM 614327.

Submissions (2):

Labcorp Genetics (formerly Invitae), Labcorp
Classification: Pathogenic for BAP1-related tumor predisposition syndrome. Last evaluated: 2024-08-04. Review status: criteria provided, single submitter. Criteria: Invitae Variant Classification Sherloc (09022015). Collection method: clinical testing. Allele origin: germline.
Comment: This sequence change creates a premature translational stop signal (p.Glu605Lysfs*12) in the BAP1 gene. It is expected to result in an absent or disrupted protein product. Loss-of-function variants in BAP1 are known to be pathogenic (PMID: 21874000, 23684012). This variant is not present in population databases (gnomAD no frequency). This variant has not been reported in the literature in individuals affected with BAP1-related conditions. For these reasons, this variant has been classified as Pathogenic.

Myriad Genetics, Inc.
Classification: Pathogenic for BAP1-related tumor predisposition syndrome. Last evaluated: 2023-12-06. Review status: criteria provided, single submitter. Criteria: Myriad Autosomal Dominant, Autosomal Recessive and X-Linked Classification Criteria (2023). Collection method: clinical testing. Allele origin: unknown.
Comment: This variant is considered pathogenic. This variant creates a frameshift predicted to result in premature protein truncation.

Literature cited by the submitters: PubMed 21874000 (cited by Labcorp Genetics (formerly Invitae), Labcorp); PubMed 23684012 (cited by Labcorp Genetics (formerly Invitae), Labcorp).